The following is an entry in ClinVar:

ClinVar aggregate classification (germline): Uncertain significance. Review status: criteria provided, multiple submitters, no conflicts (2 of 4 stars). 2 submissions from 2 submitters: Uncertain significance (2). Last evaluated 2026-01-21.

Conditions:
YARS1-related disorder. Also called: YARS1-related condition.
Charcot-Marie-Tooth disease dominant intermediate C (CMTDIC). Also called: CHARCOT-MARIE-TOOTH NEUROPATHY, DOMINANT INTERMEDIATE C. Identifiers: Orphanet 100045, MedGen C1842237, MONDO:0012012, OMIM 608323.

Submissions (2):

PreventionGenetics, part of Exact Sciences
Classification: Uncertain significance for YARS1-related condition. Last evaluated: 2026-01-21. Review status: criteria provided, single submitter. Criteria: ACMG Guidelines, 2015. Collection method: clinical testing. Allele origin: germline.
Comment: The YARS1 c.718_726del9 variant is predicted to result in an in-frame deletion (p.Asp240_Lys242del). To our knowledge, this variant has not been reported in the literature or in a large population database (gnomAD), indicating this variant is rare. At this time, the clinical significance of this variant is uncertain due to the absence of conclusive functional and genetic evidence.

Labcorp Genetics (formerly Invitae), Labcorp
Classification: Uncertain significance for Charcot-Marie-Tooth disease dominant intermediate C. Last evaluated: 2022-08-09. Review status: criteria provided, single submitter. Criteria: Invitae Variant Classification Sherloc (09022015). Collection method: clinical testing. Allele origin: germline.
Comment: In summary, the available evidence is currently insufficient to determine the role of this variant in disease. Therefore, it has been classified as a Variant of Uncertain Significance. Experimental studies and prediction algorithms are not available or were not evaluated, and the functional significance of this variant is currently unknown. This variant has not been reported in the literature in individuals affected with YARS-related conditions. This variant is not present in population databases (gnomAD no frequency). This variant, c.718_726del, results in the deletion of 3 amino acid(s) of the YARS protein (p.Asp240_Lys242del), but otherwise preserves the integrity of the reading frame.

NM_003680.4(YARS1):c.718_726del (p.Asp240_Lys242del)

Genes: YARS1 (tyrosyl-tRNA synthetase 1; minus strand), LOC126805688 (BRD4-independent group 4 enhancer GRCh37_chr1:33251929-33253128; plus strand). Cytogenetic location: 1p35.1.
Variant type: Deletion.
Coding change: c.718_726del on transcript NM_003680.4 (MANE Select); coding-DNA positions 718 to 726, 9 bases deleted (GATGTGAAG; older notation c.718_726delGATGTGAAG).
Protein change: p.Asp240_Lys242del.
Molecular consequence: inframe deletion.
Genome position (GRCh38, 1-based): chr1:32,787,034-32,787,042, CTTCACATC deleted on the plus strand (GATGTGAAG on the coding strand, the reverse complement: YARS1 is on the minus strand); deleting any 9 consecutive bases within chr1:32,787,034-32,787,044 gives the same sequence; the c. name uses the placement nearest the transcript's 3' end. VCF-style (leftmost placement, unchanged base first): chr1-32787033-TCTTCACATC-T. GRCh37 (hg19) VCF-style: chr1-33252634-TCTTCACATC-T.
Other names: c.718_726del9 (NM_003680.3).
Identifiers: ClinVar variation 2062581 (VCV002062581.5), dbSNP rs1653251804, ClinGen allele CA2473066012.
Genomic context (GRCh38, chr1:32,787,033, plus strand): 5'-AGGACAGAACCCCATTGTTCTCCACATTTCCTGGCTCACAGAAGGCCTTCTTCAGTTTTT[TCTTCACATC>T]CTCCTTCCGATCAAGGAGATCAATCTTGGACTCCTAGAAGTCATAGAACGGAAGAGGACC-3'